The following is an entry in ClinVar:

ClinVar aggregate classification (germline): Benign/Likely benign. Review status: criteria provided, multiple submitters, no conflicts (2 of 4 stars). 3 submissions from 3 submitters: Benign (2); Likely benign (1). Last evaluated 2026-01-24.

Conditions:
Brain small vessel disease 2A, autosomal dominant. Also called: Porencephaly 2. Identifiers: Orphanet 2940, Orphanet 99810, MedGen C3280970, MONDO:0013773, OMIM 614483.

Allele frequency attached by ClinVar (database versions not stated): gnomAD exomes 0.00019 and 0.00050; ExAC 0.00060; 1000 Genomes Project 0.00120; 1000 Genomes Project 30x 0.00141; gnomAD 0.00208 and 0.00230; TOPMed 0.00269; ESP Exome Variant Server 0.00277.
gnomAD v4.1: 595 of 1,613,860 alleles (0.037%); highest among the groups gnomAD compares: African/African-American, 0.68%; 2 homozygotes.

Submissions (3):

Labcorp Genetics (formerly Invitae), Labcorp
Classification: Benign. Last evaluated: 2026-01-24. Review status: criteria provided, single submitter. Criteria: Invitae Variant Classification Sherloc (09022015). Collection method: clinical testing. Allele origin: germline.

Mayo Clinic Laboratories, Mayo Clinic
Classification: Likely benign. Last evaluated: 2025-07-19. Review status: criteria provided, single submitter. Criteria: ACMG Guidelines, 2015. Collection method: clinical testing. Allele origin: germline. Observed: 2 variant alleles.
Comment: BS1, BP4

Illumina Laboratory Services, Illumina
Classification: Benign for Brain small vessel disease 2A, autosomal dominant. Last evaluated: 2018-01-13. Review status: criteria provided, single submitter. Criteria: ICSL Variant Classification Criteria 13 December 2019. Collection method: clinical testing. Allele origin: germline.
Comment: This variant was observed in the ICSL laboratory as part of a predisposition screen in an ostensibly healthy population. It had not been previously curated by ICSL or reported in the Human Gene Mutation Database (HGMD: prior to June 1st, 2018), and was therefore a candidate for classification through an automated scoring system. Utilizing variant allele frequency, disease prevalence and penetrance estimates, and inheritance mode, an automated score was calculated to assess if this variant is too frequent to cause the disease. Based on the score and internal cut-off values, a variant classified as benign is not then subjected to further curation. The score for this variant resulted in a classification of benign for this disease.

NM_001846.4(COL4A2):c.2011G>A (p.Gly671Ser)

Gene: COL4A2 (collagen type IV alpha 2 chain; plus strand). Cytogenetic location: 13q34.
Variant type: single nucleotide variant.
Coding change: c.2011G>A on transcript NM_001846.4 (MANE Select); coding-DNA position 2011, G replaced by A.
Protein change: p.Gly671Ser; replaces glycine 671 with serine.
Molecular consequence: missense variant.
Genome position (GRCh38, 1-based): chr13:110,466,035, G>A. VCF-style: chr13-110466035-G-A. GRCh37 (hg19) VCF-style: chr13-111118382-G-A.
Other names: p.Gly671Ser; short protein forms G671S.
Identifiers: ClinVar variation 723597 (VCV000723597.12), dbSNP rs143710874, ClinGen allele CA7049786.